The following is an entry in ClinVar:

NM_000384.3(APOB):c.7979C>T (p.Ser2660Phe)

Gene: APOB (apolipoprotein B; minus strand). Cytogenetic location: 2p24.1.
Variant type: single nucleotide variant.
Coding change: c.7979C>T on transcript NM_000384.3 (MANE Select); coding-DNA position 7979, C replaced by T.
Protein change: p.Ser2660Phe; replaces serine 2660 with phenylalanine.
Molecular consequence: missense variant.
Genome position (GRCh38, 1-based): chr2:21,008,889, G>A on the plus strand (C>T on the coding strand, the complement: APOB is on the minus strand). VCF-style: chr2-21008889-G-A. GRCh37 (hg19) VCF-style: chr2-21231761-G-A.
Other names: short protein forms S2660F.
Identifiers: ClinVar variation 630976 (VCV000630976.12), dbSNP rs1408828737, ClinGen allele CA345995700.

ClinVar aggregate classification (germline): Conflicting classifications of pathogenicity. Review status: criteria provided, conflicting classifications (1 of 4 stars). 4 submissions from 4 submitters: Uncertain significance (3); Likely benign (1). Last evaluated 2025-06-18.

Conditions:
Cardiovascular phenotype. Identifiers: MedGen CN230736.
Hypercholesterolemia, autosomal dominant, type B (FHCL2). Also called: APOB-Related Familial Hypercholesterolemia, Autosomal Dominant; Hyperlipoproteinemia Type IIb; Familial Hypercholesterolemia Type B; APOLIPOPROTEIN B-100, FAMILIAL DEFECTIVE; APOLIPOPROTEIN B-100, FAMILIAL LIGAND-DEFECTIVE; Familial hypercholesterolemia 2. Identifiers: MedGen C1704417, MONDO:0007751, OMIM 144010.
Familial hypobetalipoproteinemia 1. Also called: APOB-Related Familial Hypobetalipoproteinemia; Hypobetalipoproteinemia, normotriglyceridemic; Acanthocytosis with hypobetalipoproteinemia. Identifiers: MedGen C4551990, MONDO:0014252, OMIM 615558.

Allele frequency attached by ClinVar (database versions not stated): TOPMed below 0.00001; gnomAD 0.00001; gnomAD exomes 0.00001.
gnomAD v4.1: 5 of 1,613,912 alleles (0.00031%); highest among the groups gnomAD compares: Admixed American, 0.0067%; no homozygotes.

Submissions (4):

GeneDx
Classification: Uncertain significance. Last evaluated: 2025-06-18. Review status: criteria provided, single submitter. Criteria: GeneDx Variant Classification Process June 2021. Collection method: clinical testing. Allele origin: germline. Affected: yes.
Comment: Not observed at significant frequency in large population cohorts (gnomAD); In silico analysis supports that this missense variant has a deleterious effect on protein structure/function; Has not been previously published as pathogenic or benign to our knowledge

Ambry Genetics
Classification: Uncertain significance for Cardiovascular phenotype. Last evaluated: 2025-05-03. Review status: criteria provided, single submitter. Criteria: Ambry Variant Classification Scheme 2023. Collection method: clinical testing. Allele origin: germline.
Comment: The p.S2660F variant (also known as c.7979C>T), located in coding exon 26 of the APOB gene, results from a C to T substitution at nucleotide position 7979. The serine at codon 2660 is replaced by phenylalanine, an amino acid with highly dissimilar properties. This amino acid position is well conserved in available vertebrate species. In addition, this alteration is predicted to be tolerated by in silico analysis. Since supporting evidence is limited at this time, the clinical significance of this alteration remains unclear.

Labcorp Genetics (formerly Invitae), Labcorp
Classification: Likely benign for Familial hypobetalipoproteinemia 1; Hypercholesterolemia, autosomal dominant, type B. Last evaluated: 2024-03-03. Review status: criteria provided, single submitter. Criteria: Invitae Variant Classification Sherloc (09022015). Collection method: clinical testing. Allele origin: germline.

Fulgent Genetics
Classification: Uncertain significance for Hypercholesterolemia, autosomal dominant, type B; Familial hypobetalipoproteinemia 1. Last evaluated: 2021-08-17. Review status: criteria provided, single submitter. Criteria: ACMG Guidelines, 2015. Collection method: clinical testing. Allele origin: unknown.